The following is an entry in ClinVar:

NM_000059.4(BRCA2):c.8710C>T (p.Leu2904Phe)

Gene: BRCA2 (BRCA2 DNA repair associated; plus strand). Cytogenetic location: 13q13.1.
Variant type: single nucleotide variant.
Coding change: c.8710C>T on transcript NM_000059.4 (MANE Select); coding-DNA position 8710, C replaced by T.
Protein change: p.Leu2904Phe; replaces leucine 2904 with phenylalanine.
Molecular consequence: missense variant.
Genome position (GRCh38, 1-based): chr13:32,376,747, C>T. VCF-style: chr13-32376747-C-T. GRCh37 (hg19) VCF-style: chr13-32950884-C-T.
Other names: short protein forms L2904F.
Identifiers: ClinVar variation 441418 (VCV000441418.17), dbSNP rs1555288167, ClinGen allele CA387754900.

ClinVar aggregate classification (germline): Uncertain significance. Review status: criteria provided, multiple submitters, no conflicts (2 of 4 stars). 4 submissions from 4 submitters: Uncertain significance (4). Last evaluated 2025-01-11.

Conditions:
Hereditary cancer-predisposing syndrome. Also called: Hereditary Cancer Syndrome; Hereditary neoplastic syndrome; Neoplastic Syndromes, Hereditary; Tumor predisposition. Identifiers: Orphanet 140162, MedGen C0027672, MeSH D009386, MONDO:0015356.
Hereditary breast ovarian cancer syndrome. Also called: Hereditary breast and ovarian cancer; Breast and ovarian cancer; Hereditary breast and ovarian cancer syndrome; Hereditary breast and/or ovarian cancer syndrome; BRCA1- and BRCA2-Associated Hereditary Breast and Ovarian Cancer; Hereditary breast and ovarian cancer syndrome (HBOC). Identifiers: Orphanet 145, MedGen C0677776, MeSH D061325, MONDO:0003582. Disease mechanism: loss of function.

Submissions (4):

Labcorp Genetics (formerly Invitae), Labcorp
Classification: Uncertain significance for Hereditary breast ovarian cancer syndrome. Last evaluated: 2025-01-11. Review status: criteria provided, single submitter. Criteria: Invitae Variant Classification Sherloc (09022015). Collection method: clinical testing. Allele origin: germline.
Comment: This sequence change replaces leucine, which is neutral and non-polar, with phenylalanine, which is neutral and non-polar, at codon 2904 of the BRCA2 protein (p.Leu2904Phe). This variant is not present in population databases (gnomAD no frequency). This variant has not been reported in the literature in individuals affected with BRCA2-related conditions. ClinVar contains an entry for this variant (Variation ID: 441418). Invitae Evidence Modeling of protein sequence and biophysical properties (such as structural, functional, and spatial information, amino acid conservation, physicochemical variation, residue mobility, and thermodynamic stability) indicates that this missense variant is not expected to disrupt BRCA2 protein function with a negative predictive value of 95%. In summary, the available evidence is currently insufficient to determine the role of this variant in disease. Therefore, it has been classified as a Variant of Uncertain Significance.

Ambry Genetics
Classification: Uncertain significance for Hereditary cancer-predisposing syndrome. Last evaluated: 2024-09-30. Review status: criteria provided, single submitter. Criteria: Ambry Variant Classification Scheme 2023. Collection method: clinical testing. Allele origin: germline.
Comment: The p.L2904F variant (also known as c.8710C>T), located in coding exon 20 of the BRCA2 gene, results from a C to T substitution at nucleotide position 8710. The leucine at codon 2904 is replaced by phenylalanine, an amino acid with highly similar properties. This alteration had an indeterminate readout in a mouse ESC-based assay in which authors calculated a functional score based on cell viability and drug sensitivity (Biswas K et al. Cell Rep Methods, 2023 Nov;3:100628). This amino acid position is highly conserved in available vertebrate species. In addition, the in silico prediction for this alteration is inconclusive. Based on the available evidence, the clinical significance of this variant remains unclear.

GeneDx
Classification: Uncertain significance. Last evaluated: 2023-04-03. Review status: criteria provided, single submitter. Criteria: GeneDx Variant Classification Process June 2021. Collection method: clinical testing. Allele origin: germline. Affected: yes.
Comment: Not observed at significant frequency in large population cohorts (gnomAD); In silico analysis supports that this missense variant does not alter protein structure/function; Has not been previously published as pathogenic or benign to our knowledge; Also known as 8938C>T; This variant is associated with the following publications: (PMID: 12228710)

Genetic Services Laboratory, University of Chicago
Classification: Uncertain significance. Last evaluated: 2021-01-25. Review status: criteria provided, single submitter. Criteria: ACMG Guidelines, 2015. Collection method: clinical testing. Allele origin: germline. Affected: no.

Literature cited by the submitters: PubMed 37922907 (cited by Ambry Genetics).